The following is an entry in ClinVar:

NM_003919.3(SGCE):c.799del (p.Tyr267fs)

Genes: CASD1 (CAS1 domain sialic acid O acetyltransferase 1; plus strand), SGCE (sarcoglycan epsilon; minus strand). Cytogenetic location: 7q21.3.
Variant type: Deletion.
Coding change: c.799del on transcript NM_003919.3 (MANE Select); coding-DNA position 799, one base deleted (T; older notation c.799delT).
Protein change: p.Tyr267fs; shifts the reading frame from tyrosine 267.
Molecular consequence: frameshift variant.
Genome position (GRCh38, 1-based): chr7:94,603,316, A deleted on the plus strand (T on the coding strand, the reverse complement: SGCE is on the minus strand); the first of 4 consecutive A bases (chr7:94,603,316-94,603,319); deleting any one gives the same sequence. VCF-style (leftmost placement, unchanged base first): chr7-94603315-TA-T. GRCh37 (hg19) VCF-style: chr7-94232627-TA-T.
Other names: c.799del, p.Tyr267fs (NM_001099400.2, NM_001099401.2, NM_001346717.2); c.676del, p.Tyr226fs (NM_001301139.2, NM_001362809.2); c.907del, p.Tyr303fs (NM_001346713.2, NM_001346715.2); c.712del, p.Tyr238fs (NM_001346719.2, NM_001362807.2); c.526del, p.Tyr176fs (NM_001346720.2, NM_001362808.2); short protein forms Y176fs, Y226fs, Y238fs, Y267fs, Y303fs.
Identifiers: ClinVar variation 847151 (VCV000847151.7), dbSNP rs1799563986, ClinGen allele CA916082940.

ClinVar aggregate classification (germline): Pathogenic (1 of 4 stars; one submission).

Conditions:
Myoclonic dystonia 11 (DYT11). Also called: Myoclonic dystonia; Dystonia 11; DYT-SGCE; Dystonia, alcohol responsive; Hereditary essential myoclonus; SGCE Myoclonus-Dystonia. Identifiers: Orphanet 36899, MedGen C1834570, MONDO:0008044, OMIM 159900.

Submission:

Labcorp Genetics (formerly Invitae), Labcorp
Classification: Pathogenic for Myoclonic dystonia 11. Last evaluated: 2019-11-25. Review status: criteria provided, single submitter. Criteria: Invitae Variant Classification Sherloc (09022015). Collection method: clinical testing. Allele origin: germline.
Comment: This variant has not been reported in the literature in individuals with SGCE-related conditions. For these reasons, this variant has been classified as Pathogenic. Loss-of-function variants in SGCE are known to be pathogenic (PMID: 12821748, 15389977, 17853490, 24297365). This variant is not present in population databases (ExAC no frequency). This sequence change creates a premature translational stop signal (p.Tyr267Thrfs*22) in the SGCE gene. It is expected to result in an absent or disrupted protein product.

Literature cited by the submitters: PubMed 12821748; PubMed 15389977; PubMed 17853490; PubMed 24297365.